The following is an entry in ClinVar:

ClinVar aggregate classification (germline): Uncertain significance (1 of 4 stars; one submission).

Conditions:
Charcot-Marie-Tooth disease type 1C. Also called: Charcot-Marie-Tooth disease, type IC; HMSN IC; CHARCOT-MARIE-TOOTH DISEASE, DEMYELINATING, TYPE 1C; CHARCOT-MARIE-TOOTH NEUROPATHY, TYPE 1C; NEUROPATHY, HEREDITARY MOTOR AND SENSORY, TYPE IC; CMT, SLOW NERVE CONDUCTION TYPE C. Identifiers: Orphanet 101083, MedGen C0270913, MONDO:0010995, OMIM 601098.

Submission:

Labcorp Genetics (formerly Invitae), Labcorp
Classification: Uncertain significance for Charcot-Marie-Tooth disease type 1C. Last evaluated: 2022-10-07. Review status: criteria provided, single submitter. Criteria: Invitae Variant Classification Sherloc (09022015). Collection method: clinical testing. Allele origin: germline.
Comment: In summary, the available evidence is currently insufficient to determine the role of this variant in disease. Therefore, it has been classified as a Variant of Uncertain Significance. This variant has not been reported in the literature in individuals affected with LITAF-related conditions. A gross deletion of the genomic region encompassing the full coding sequence of the LITAF gene has been identified. The current clinical and genetic evidence is not sufficient to establish whether loss-of-function variants in LITAF cause disease. The boundaries of this event are unknown as they extend beyond the assayed region for this gene and therefore may encompass additional genes.

NC_000016.9:g.(?_11643493)_(11650586_?)del

Gene: LITAF (lipopolysaccharide induced TNF factor; minus strand). Cytogenetic location: 16p13.13.
Variant type: Deletion.
Identifiers: ClinVar variation 1411287 (VCV001411287.5).